The following is an entry in ClinVar:

ClinVar aggregate classification (germline): Pathogenic/Likely pathogenic. Review status: criteria provided, multiple submitters, no conflicts (2 of 4 stars). 2 submissions from 2 submitters: Pathogenic (1); Likely pathogenic (1). Last evaluated 2022-08-19.

Conditions:
Familial X-linked hypophosphatemic vitamin D refractory rickets (XLHRD). Also called: X-Linked Hypophosphatemia; Hypophosphatemic Rickets, X-Linked Dominant; HYPOPHOSPHATEMIC VITAMIN D-RESISTANT RICKETS; Hypophosphatemia, vitamin D-resistant rickets; Vitamin D-resistant rickets, X-linked. Identifiers: Orphanet 89936, MedGen C0733682, MONDO:0010619, OMIM 307800.

gnomAD v4.1: 1 of 1,179,243 alleles (0.000085%); no homozygotes.

Submissions (2):

Labcorp Genetics (formerly Invitae), Labcorp
Classification: Likely pathogenic. Last evaluated: 2022-08-19. Review status: criteria provided, single submitter. Criteria: Invitae Variant Classification Sherloc (09022015). Collection method: clinical testing. Allele origin: germline.
Comment: ClinVar contains an entry for this variant (Variation ID: 438578). Advanced modeling of protein sequence and biophysical properties (such as structural, functional, and spatial information, amino acid conservation, physicochemical variation, residue mobility, and thermodynamic stability) performed at Invitae indicates that this missense variant is expected to disrupt PHEX protein function. This variant disrupts the p.Ala573 amino acid residue in PHEX. Other variant(s) that disrupt this residue have been observed in individuals with PHEX-related conditions (PMID: 34434907), which suggests that this may be a clinically significant amino acid residue. In summary, the currently available evidence indicates that the variant is pathogenic, but additional data are needed to prove that conclusively. Therefore, this variant has been classified as Likely Pathogenic. This missense change has been observed in individual(s) with clinical features of X-linked hypophosphatemia (PMID: 10439971; Invitae). This sequence change replaces alanine, which is neutral and non-polar, with aspartic acid, which is acidic and polar, at codon 573 of the PHEX protein (p.Ala573Asp). This variant is not present in population databases (gnomAD no frequency).

Institute of Human Genetics Munich, TUM University Hospital
Classification: Pathogenic for Familial X-linked hypophosphatemic vitamin D refractory rickets. Last evaluated: 2017-06-12. Review status: criteria provided, single submitter. Criteria: Classification criteria August 2017. Collection method: clinical testing. Allele origin: germline. Inheritance: X-linked inheritance. Affected: yes. Observed: 1 heterozygote.

Literature cited by the submitters: PubMed 34434907 (cited by Labcorp Genetics (formerly Invitae), Labcorp); PubMed 10439971 (cited by Labcorp Genetics (formerly Invitae), Labcorp and Institute of Human Genetics Munich, TUM University Hospital).

NM_000444.6(PHEX):c.1718C>A (p.Ala573Asp)

Genes: PHEX (phosphate regulating endopeptidase X-linked; plus strand), PTCHD1-AS (PTCHD1 and PHEX antisense RNA; minus strand). Cytogenetic location: Xp22.11.
Variant type: single nucleotide variant.
Coding change: c.1718C>A on transcript NM_000444.6 (MANE Select); coding-DNA position 1718, C replaced by A.
Protein change: p.Ala573Asp; replaces alanine 573 with aspartic acid.
Molecular consequence: missense variant.
Genome position (GRCh38, 1-based): chrX:22,219,053, C>A. VCF-style: chrX-22219053-C-A. GRCh37 (hg19) VCF-style: chrX-22237170-C-A.
Other names: c.1718C>A, p.Ala573Asp (NM_001282754.2); short protein forms A573D.
Identifiers: ClinVar variation 438578 (VCV000438578.7), dbSNP rs1556135308, ClinGen allele CA412575749.